The following is an entry in ClinVar:

ClinVar aggregate classification (germline): Conflicting classifications of pathogenicity. Review status: criteria provided, conflicting classifications (1 of 4 stars). 2 submissions from 2 submitters: Uncertain significance (1); Benign (1). Last evaluated 2024-10-15.

Conditions:
Intellectual disability, X-linked, with or without seizures, ARX-related. Also called: Mental retardation, X-linked 52; INTELLECTUAL DEVELOPMENTAL DISORDER, X-LINKED 29; MENTAL RETARDATION, X-LINKED 29; MENTAL RETARDATION, X-LINKED 32; MENTAL RETARDATION, X-LINKED 33; MENTAL RETARDATION, X-LINKED 38. Identifiers: Orphanet 777, MedGen C0796244, MONDO:0010317, OMIM 300419.
Developmental and epileptic encephalopathy, 1 (DEE1). Also called: OHTAHARA SYNDROME, X-LINKED; INFANTILE SPASM SYNDROME, X-LINKED 1; X-linked infantile spasms; West's syndrome; Tonic spasms with clustering, arrest of psychomotor development and hypsarrhythmia on EEG; X-Linked Infantile Spasm Syndrome. Identifiers: MedGen C3463992, MONDO:0010632, OMIM 308350. Disease mechanism: loss of function.

Allele frequency attached by ClinVar (database versions not stated): ExAC below 0.00001; gnomAD 0.00001 and 0.00005; gnomAD exomes 0.00001; TOPMed 0.00002.
gnomAD v4.1: 13 of 1,195,963 alleles (0.0011%); highest among the groups gnomAD compares: South Asian, 0.0037%; no homozygotes.

Submissions (2):

Labcorp Genetics (formerly Invitae), Labcorp
Classification: Benign for Developmental and epileptic encephalopathy, 1; Intellectual disability, X-linked, with or without seizures, ARX-related. Last evaluated: 2024-10-15. Review status: criteria provided, single submitter. Criteria: Invitae Variant Classification Sherloc (09022015). Collection method: clinical testing. Allele origin: germline.

CeGaT Center for Human Genetics Tuebingen
Classification: Uncertain significance. Last evaluated: 2024-01-01. Review status: criteria provided, single submitter. Criteria: CeGaT Center For Human Genetics Tuebingen Variant Classification Criteria Version 2. Collection method: clinical testing. Allele origin: germline. Affected: yes. Observed: 1 variant allele.
Comment: ARX: PM2, PP3

NM_139058.3(ARX):c.1388G>A (p.Ser463Asn)

Gene: ARX (aristaless related homeobox; minus strand). Cytogenetic location: Xp21.3.
Variant type: single nucleotide variant.
Coding change: c.1388G>A on transcript NM_139058.3 (MANE Select); coding-DNA position 1388, G replaced by A.
Protein change: p.Ser463Asn; replaces serine 463 with asparagine.
Molecular consequence: missense variant.
Genome position (GRCh38, 1-based): chrX:25,007,171, C>T on the plus strand (G>A on the coding strand, the complement: ARX is on the minus strand). VCF-style: chrX-25007171-C-T. GRCh37 (hg19) VCF-style: chrX-25025288-C-T.
Other names: short protein forms S463N.
Identifiers: ClinVar variation 540218 (VCV000540218.31), dbSNP rs763950769, ClinGen allele CA10373804.